The following is an entry in ClinVar:

NM_000051.4(ATM):c.3465G>A (p.Leu1155=)

Gene: ATM (ATM serine/threonine kinase; plus strand). Cytogenetic location: 11q22.3.
Variant type: single nucleotide variant.
Coding change: c.3465G>A on transcript NM_000051.4 (MANE Select); coding-DNA position 3465, G replaced by A.
Protein change: p.Leu1155=; no amino-acid change (leucine 1155 retained).
Molecular consequence: synonymous variant.
Genome position (GRCh38, 1-based): chr11:108,281,057, G>A. VCF-style: chr11-108281057-G-A. GRCh37 (hg19) VCF-style: chr11-108151784-G-A.
Other names: c.3465G>A, p.Leu1155= (NM_001351834.2).
Identifiers: ClinVar variation 1731678 (VCV001731678.3), dbSNP rs2135667056, ClinGen allele CA476672832.

ClinVar aggregate classification (germline): Benign/Likely benign. Review status: criteria provided, multiple submitters, no conflicts (2 of 4 stars). 2 submissions from 2 submitters: Benign (1); Likely benign (1). Last evaluated 2024-05-14.

Conditions:
Hereditary cancer-predisposing syndrome. Also called: Neoplastic Syndromes, Hereditary; Tumor predisposition; Hereditary Cancer Syndrome; Hereditary neoplastic syndrome. Identifiers: Orphanet 140162, MedGen C0027672, MeSH D009386, MONDO:0015356.
Familial cancer of breast. Also called: BREAST CANCER, FAMILIAL; Hereditary breast cancer; hereditary breast carcinoma. Identifiers: Orphanet 227535, MedGen C0346153, MONDO:0016419, OMIM 114480. Disease mechanism: loss of function.

Submissions (2):

Myriad Genetics, Inc.
Classification: Benign for Familial cancer of breast. Last evaluated: 2024-05-14. Review status: criteria provided, single submitter. Criteria: Myriad Autosomal Dominant, Autosomal Recessive and X-Linked Classification Criteria (2023). Collection method: clinical testing. Allele origin: unknown.
Comment: This variant is considered benign. This variant is a silent/synonymous amino acid change and it is not expected to impact splicing.

Ambry Genetics
Classification: Likely benign for Hereditary cancer-predisposing syndrome. Last evaluated: 2021-10-11. Review status: criteria provided, single submitter. Criteria: Ambry Variant Classification Scheme 2023. Collection method: clinical testing. Allele origin: germline.